The following is an entry in ClinVar:

NM_021102.4(SPINT2):c.166_167dup (p.Asn57fs)

Gene: SPINT2 (serine peptidase inhibitor, Kunitz type 2; plus strand). Cytogenetic location: 19q13.2.
Variant type: Duplication.
Coding change: c.166_167dup on transcript NM_021102.4 (MANE Select); coding-DNA positions 166 to 167, 2 bases duplicated (TA; older notation c.166_167dupTA).
Protein change: p.Asn57fs; shifts the reading frame from asparagine 57.
Molecular consequence: frameshift variant. On other transcripts: intron variant (1).
Genome position (GRCh38, 1-based): chr19:38,283,686-38,283,687, TA duplicated. VCF-style (leftmost placement, unchanged base first): chr19-38283685-G-GTA. GRCh37 (hg19) VCF-style: chr19-38774325-G-GTA.
Other names: c.107-4190_107-4189dup (NM_001166103.2); short protein forms N57fs.
Identifiers: ClinVar variation 3062101 (VCV003062101.2), dbSNP rs1968606914, ClinGen allele CA2334950031.

ClinVar aggregate classification (germline): Pathogenic. Review status: criteria provided, multiple submitters, no conflicts (2 of 4 stars). 2 submissions from 2 submitters: Pathogenic (2). Last evaluated 2025-07-02.

Conditions:
Congenital secretory sodium diarrhea 3 (DIAR3). Also called: DIARRHEA 3, SECRETORY SODIUM, CONGENITAL, WITH OR WITHOUT OTHER CONGENITAL ANOMALIES; Diarrhea 3, secretory sodium, congenital, syndromic. Identifiers: Orphanet 103908, MedGen C5441927, MONDO:0010036, OMIM 270420.

Allele frequency attached by ClinVar (database versions not stated): gnomAD exomes below 0.00001; TOPMed below 0.00001.

Submissions (2):

Labcorp Genetics (formerly Invitae), Labcorp
Classification: Pathogenic. Last evaluated: 2025-07-02. Review status: criteria provided, single submitter. Criteria: Invitae Variant Classification Sherloc (09022015). Collection method: clinical testing. Allele origin: germline.
Comment: This sequence change creates a premature translational stop signal (p.Asn57Thrfs*24) in the SPINT2 gene. It is expected to result in an absent or disrupted protein product. Loss-of-function variants in SPINT2 are known to be pathogenic (PMID: 19185281, 24142340). This variant is not present in population databases (gnomAD no frequency). This premature translational stop signal has been observed in individual(s) with congenital sodium diarrhea (PMID: 29575628). ClinVar contains an entry for this variant (Variation ID: 3062101). For these reasons, this variant has been classified as Pathogenic.

Illumina Laboratory Services, Illumina
Classification: Pathogenic for Congenital secretory sodium diarrhea 3. Last evaluated: 2022-11-23. Review status: criteria provided, single submitter. Criteria: ICSLVariantClassificationCriteria RUGD 01 April 2020. Collection method: clinical testing. Allele origin: unknown.
Comment: The SPINT2 c.166_167dupTA p.(Asn57ThrfsTer24) variant causes a shift in the protein reading frame that is predicted to result in premature termination of the protein. Loss of normal protein function through either protein truncation or nonsense-mediated mRNA decay is expected. This variant has been reported in a compound heterozygous state with a second pathogenic missense variant, in an infant with congenital sodium diarrhea and chorioretinal coloboma with optic disc coloboma (PMID: 29575628). This variant is not observed at a significant frequency in version 2.1.1 or version 4.0.0 of the Genome Aggregation Database. Based on the available evidence, the c.166_167dupTA p.(Asn57ThrfsTer24) variant is classified as pathogenic for congenital secretory sodium diarrhea.

Literature cited by the submitters: PubMed 19185281 (cited by Labcorp Genetics (formerly Invitae), Labcorp); PubMed 24142340 (cited by Labcorp Genetics (formerly Invitae), Labcorp); PubMed 29575628 (cited by Labcorp Genetics (formerly Invitae), Labcorp).